The following is an entry in ClinVar:

ClinVar aggregate classification (germline): Likely pathogenic (1 of 4 stars; one submission).

Conditions:
Bifunctional peroxisomal enzyme deficiency (DBIF). Also called: DBP DEFICIENCY; PBFE DEFICIENCY; D-bifunctional protein deficiency. Identifiers: Orphanet 300, MedGen C0342870, MONDO:0009855, OMIM 261515. Disease mechanism: loss of function.

Submission:

Myriad Genetics, Inc.
Classification: Likely pathogenic for Bifunctional peroxisomal enzyme deficiency. Last evaluated: 2022-03-29. Review status: criteria provided, single submitter. Criteria: Myriad Autosomal Dominant, Autosomal Recessive and X-Linked Classification Criteria (2023). Collection method: clinical testing. Allele origin: unknown.
Comment: NM_000414.3(HSD17B4):c.638_639delTG(L213Qfs*18) is expected to be pathogenic in the context of HSD17B4-related disorders. This variant is predicted to lead to an abnormal or absent protein product due to the creation of a premature termination codon in HSD17B4, a gene where loss-of-function variants are known to be pathogenic. Please note: this variant was assessed in the context of healthy population screening.

NM_000414.4(HSD17B4):c.638_639del (p.Leu213fs)

Gene: HSD17B4 (hydroxysteroid 17-beta dehydrogenase 4; plus strand). Cytogenetic location: 5q23.1.
Variant type: Deletion.
Coding change: c.638_639del on transcript NM_000414.4 (MANE Select); coding-DNA positions 638 to 639, 2 bases deleted (TG; older notation c.638_639delTG).
Protein change: p.Leu213fs; shifts the reading frame from leucine 213.
Molecular consequence: frameshift variant. On other transcripts: non-coding transcript variant (2).
Genome position (GRCh38, 1-based): chr5:119,489,207-119,489,208, TG deleted. VCF-style (leftmost placement, unchanged base first): chr5-119489206-CTG-C. GRCh37 (hg19) VCF-style: chr5-118824901-CTG-C.
Other names: c.713_714del, p.Leu238fs (NM_001199291.3); c.584_585del, p.Leu195fs (NM_001199292.2); c.566_567del, p.Leu189fs (NM_001292027.2); c.218_219del, p.Leu73fs (NM_001292028.2); c.629_630del, p.Leu210fs (NM_001374497.1); c.638_639del, p.Leu213fs (NM_001374498.1); c.311_312del, p.Leu104fs (NM_001374499.1); c.197_198del, p.Leu66fs (NM_001374500.1); and 1 more; short protein forms L104fs, L189fs, L195fs, L210fs, L213fs, L238fs, L66fs, L73fs.
Identifiers: ClinVar variation 1725529 (VCV001725529.3), dbSNP rs2531676170, ClinGen allele CA2580072405.